The following is an entry in ClinVar:

ClinVar aggregate classification (germline): Pathogenic. Review status: criteria provided, multiple submitters, no conflicts (2 of 4 stars). 3 submissions from 3 submitters: Pathogenic (2). 1 of the submissions does not count toward it. Last evaluated 2021-08-05.

Conditions:
Retinitis pigmentosa 7 (RP7). Identifiers: Orphanet 791, MedGen C1842475, MONDO:0011974, OMIM 608133.
Patterned macular dystrophy 1. Also called: MACULAR DYSTROPHY, BUTTERFLY-SHAPED PIGMENTARY; BUTTERFLY DYSTROPHY OF RETINAL PIGMENT EPITHELIUM. Identifiers: Orphanet 99001, MedGen C4551999, MONDO:0008210, OMIM 169150.
Vitelliform macular dystrophy 3 (VMD3). Also called: PRPH2 vitelliform macular dystrophy; vitelliform macular dystrophy caused by mutation in PRPH2. Identifiers: MedGen CN295869, MONDO:0024561, OMIM 608161.
Pigmentary retinal dystrophy. Also called: Fundus albipunctatus. Identifiers: Orphanet 227796, Orphanet 52427, MedGen C0311338, MONDO:0007639, OMIM 136880, HP:0030642.
Choroidal dystrophy, central areolar 2 (CACD2). Also called: MACULAR DYSTROPHY, PROGRESSIVE; Choriodal Dystrophy, Central Areolar 2. Identifiers: Orphanet 75377, MedGen C2751290, MONDO:0013137, OMIM 613105.
PRPH2-related disorder. Also called: PRPH2-related disorders; PRPH2-related condition. Identifiers: MedGen CN239395.

Submissions (3):

Labcorp Genetics (formerly Invitae), Labcorp
Classification: Pathogenic for PRPH2-related disorder. Last evaluated: 2021-08-05. Review status: criteria provided, single submitter. Criteria: Invitae Variant Classification Sherloc (09022015). Collection method: clinical testing. Allele origin: germline.
Comment: For these reasons, this variant has been classified as Pathogenic. This variant disrupts a region of the PRPH2 protein in which other variant(s) (p.Trp316*) have been observed in individuals with PRPH2-related conditions (PMID: 9338584). This suggests that this is a clinically significant region of the protein, and that variants that disrupt it are likely to be disease-causing. ClinVar contains an entry for this variant (Variation ID: 1175277). This premature translational stop signal has been observed in individuals with autosomal dominant retinitis pigmentosa (PMID: 24938718). It has also been observed to segregate with disease in related individuals. This variant is not present in population databases (ExAC no frequency). This sequence change creates a premature translational stop signal (p.Gly305Alafs*19) in the PRPH2 gene. While this is not anticipated to result in nonsense mediated decay, it is expected to disrupt the last 42 amino acid(s) of the PRPH2 protein.

Juno Genomics, Hangzhou Juno Genomics, Inc
Classification: Pathogenic for Choroidal dystrophy, central areolar 2; Retinitis pigmentosa 7; Patterned macular dystrophy 1; Vitelliform macular dystrophy 3; Pigmentary retinal dystrophy. Review status: criteria provided, single submitter. Criteria: ACMG Guidelines, 2015. Collection method: clinical testing. Allele origin: germline. Affected: yes.
Comment: Absent from controls (or at extremely low frequency if recessive) in Genome Aggregation Database, Exome Sequencing Project, 1000 Genomes Project, or Exome Aggregation Consortium.;Null variant in a gene where loss of function (LOF) is a known mechanism of disease.;The prevalence of the variant in affected individuals is significantly increased compared to the prevalence in controls.;Co-segregation with disease in multiple affected family members in a gene definitively known to cause the disease.

Leiden Open Variation Database
Classification: Pathogenic. Last evaluated: 2021-04-06. Review status: no assertion criteria provided. Collection method: curation. Allele origin: germline. Affected: yes. Not counted in ClinVar's aggregate classification.
Comment: Curator: Global Variome, with Curator vacancy. Submitter to LOVD: Manon Peeters.

Literature cited by the submitters: PubMed 9338584 (cited by Labcorp Genetics (formerly Invitae), Labcorp); PubMed 24938718 (cited by Labcorp Genetics (formerly Invitae), Labcorp and Leiden Open Variation Database).

NM_000322.5(PRPH2):c.914del (p.Gly305fs)

Gene: PRPH2 (peripherin 2; minus strand). Cytogenetic location: 6p21.1.
Variant type: Deletion.
Coding change: c.914del on transcript NM_000322.5 (MANE Select); coding-DNA position 914, one base deleted (G; older notation c.914delG).
Protein change: p.Gly305fs; shifts the reading frame from glycine 305.
Molecular consequence: frameshift variant.
Genome position (GRCh38, 1-based): chr6:42,698,422, C deleted on the plus strand (G on the coding strand, the reverse complement: PRPH2 is on the minus strand); the first of 3 consecutive C bases (chr6:42,698,422-42,698,424); deleting any one gives the same sequence. VCF-style (leftmost placement, unchanged base first): chr6-42698421-GC-G. GRCh37 (hg19) VCF-style: chr6-42666159-GC-G.
Other names: short protein forms G305fs.
Identifiers: ClinVar variation 1175277 (VCV001175277.9), dbSNP rs2152003847, ClinGen allele CA2499218259.